The following is an entry in ClinVar:

NM_002474.3(MYH11):c.1249-9C>G

Gene: MYH11 (myosin heavy chain 11; minus strand). Cytogenetic location: 16p13.11.
Variant type: single nucleotide variant.
Coding change: c.1249-9C>G on transcript NM_002474.3 (MANE Select); 9 bases into the intron before coding-DNA position 1249, C replaced by G.
Molecular consequence: intron variant.
Genome position (GRCh38, 1-based): chr16:15,759,737, G>C on the plus strand (C>G on the coding strand, the complement: MYH11 is on the minus strand). VCF-style: chr16-15759737-G-C. GRCh37 (hg19) VCF-style: chr16-15853594-G-C.
Other names: c.1249-9C>G (NM_022844.3); c.1270-9C>G (NM_001040114.2, NM_001040113.2).
Identifiers: ClinVar variation 3387242 (VCV003387242.1).

ClinVar aggregate classification (germline): Likely benign (1 of 4 stars; one submission).

Conditions:
Familial thoracic aortic aneurysm and aortic dissection (TAAD). Also called: Thoracic aortic aneurysms and dissections. Identifiers: Orphanet 91387, MedGen C4707243, MONDO:0019625.

Submission:

All of Us Research Program, National Institutes of Health
Classification: Likely benign for Familial thoracic aortic aneurysm and aortic dissection. Last evaluated: 2024-06-09. Review status: criteria provided, single submitter. Criteria: ACMG Guidelines, 2015. Collection method: clinical testing. Allele origin: germline. Inheritance: Autosomal dominant inheritance. Observed: 1 variant allele, 1 heterozygote.
Comment: This study involves interpretation of variants in research participants for the purpose of population health screening. Participant phenotype was not available at the time of variant classification. Additional details can be found in publication PMID: 35346344, PMCID: PMC8962531